The following is an entry in ClinVar:

ClinVar aggregate classification (germline): Likely benign (0 of 4 stars; one submission).

Conditions:
CUL4B-related disorder. Also called: CUL4B-related condition.

Submission:

PreventionGenetics, part of Exact Sciences
Classification: Likely benign for CUL4B-related condition. Last evaluated: 2022-01-19. Review status: no assertion criteria provided. Collection method: clinical testing. Allele origin: germline.
Comment: This variant is classified as likely benign based on ACMG/AMP sequence variant interpretation guidelines (Richards et al. 2015 PMID: 25741868, with internal and published modifications).

NM_001079872.2(CUL4B):c.600A>G (p.Gln200=)

Gene: CUL4B (cullin 4B; minus strand). Cytogenetic location: Xq24.
Variant type: single nucleotide variant.
Coding change: c.600A>G on transcript NM_001079872.2 (MANE Select); coding-DNA position 600, A replaced by G.
Protein change: p.Gln200=; no amino-acid change (glutamine 200 retained).
Molecular consequence: synonymous variant.
Genome position (GRCh38, 1-based): chrX:120,557,996, T>C on the plus strand (A>G on the coding strand, the complement: CUL4B is on the minus strand). VCF-style: chrX-120557996-T-C. GRCh37 (hg19) VCF-style: chrX-119691851-T-C.
Other names: c.615A>G, p.Gln205= (NM_001330624.2); c.66A>G, p.Gln22= (NM_001369145.1); c.654A>G, p.Gln218= (NM_003588.4).
Identifiers: ClinVar variation 3351373 (VCV003351373.1).
Genomic context (GRCh38, chrX:120,557,996, plus strand): 5'-TTCTAAATTGTACTTAATTGAAGTACTATTCTGAATAGCTTCCACTGCTTCTTTCAGTTT[T>C]TGCCAGGTTTCATCTGTGTAGTTTTCTGGTAATTTAGGCTTATCTAGATGATATGTAAAA-3'
Protein context (NP_001073341.1, residues 190-210): LPENYTDETW[Gln200=]KLKEAVEAIQ